The following is an entry in ClinVar:

ClinVar aggregate classification (germline): Uncertain significance (1 of 4 stars; one submission).

Submission:

GeneDx
Classification: Uncertain significance. Last evaluated: 2025-08-13. Review status: criteria provided, single submitter. Criteria: GeneDx Variant Classification Process June 2021. Collection method: clinical testing. Allele origin: germline. Affected: yes.
Comment: Not observed at significant frequency in large population cohorts (gnomAD); Nonsense variant predicted to result in protein truncation or nonsense mediated decay in a gene or region of a gene for which loss of function is not a well-established mechanism of disease; Has not been previously published as pathogenic or benign to our knowledge

NM_032656.4(DHX37):c.2052T>G (p.Tyr684Ter)

Gene: DHX37 (DEAH-box helicase 37; minus strand). Cytogenetic location: 12q24.31.
Variant type: single nucleotide variant.
Coding change: c.2052T>G on transcript NM_032656.4 (MANE Select); coding-DNA position 2052, T replaced by G.
Protein change: p.Tyr684Ter; replaces tyrosine 684 with a stop codon.
Molecular consequence: nonsense.
Genome position (GRCh38, 1-based): chr12:124,960,417, A>C on the plus strand (T>G on the coding strand, the complement: DHX37 is on the minus strand). VCF-style: chr12-124960417-A-C. GRCh37 (hg19) VCF-style: chr12-125444963-A-C.
Other names: short protein forms Y684*.
Identifiers: ClinVar variation 4795623 (VCV004795623.1).